The following is an entry in ClinVar:

ClinVar aggregate classification (germline): Uncertain significance (1 of 4 stars; one submission).

Submission:

Dasa
Classification: Uncertain significance. Last evaluated: 2025-05-30. Review status: criteria provided, single submitter. Criteria: DASA Assertion Criteria. Collection method: clinical testing. Allele origin: germline.
Comment: NM_007118.4(TRIO):c.1175T>C (p.Met392Thr) is a missense variant that results in the substitution of methionine with threonine. This variant is absent from population databases. The currently available literature and clinical evidence are not sufficient to establish a definitive association between this variant and the reported condition. Therefore, this variant is classified as a variant of uncertain significance.

NM_007118.4(TRIO):c.1175T>C (p.Met392Thr)

Gene: TRIO (trio Rho guanine nucleotide exchange factor; plus strand). Cytogenetic location: 5p15.2.
Variant type: single nucleotide variant.
Coding change: c.1175T>C on transcript NM_007118.4 (MANE Select); coding-DNA position 1175, T replaced by C.
Protein change: p.Met392Thr; replaces methionine 392 with threonine.
Molecular consequence: missense variant. On other transcripts: non-coding transcript variant (1).
Genome position (GRCh38, 1-based): chr5:14,293,133, T>C. VCF-style: chr5-14293133-T-C. GRCh37 (hg19) VCF-style: chr5-14293242-T-C.
Other names: short protein forms M392T.
Identifiers: ClinVar variation 5020944 (VCV005020944.1).
Genomic context (GRCh38, chr5:14,293,133, plus strand): 5'-CCAGCCACCCTCATGCCATGGAGCTTCAGACGCAGCACAATCACTTTGCCATGAACTGTA[T>C]GGTAAGACACTCGGAACAGCTGGACCCTGGCATGTGACAGTGTTTTAGCAAATGGGAGGC-3'
Protein context (NP_009049.2, residues 382-402): TQHNHFAMNC[Met392Thr]NVYVNINRIM